The following is an entry in ClinVar:

NM_000346.4(SOX9):c.683C>A (p.Ser228Ter)

Gene: SOX9 (SRY-box transcription factor 9; plus strand). Cytogenetic location: 17q24.3.
Variant type: single nucleotide variant.
Coding change: c.683C>A on transcript NM_000346.4 (MANE Select); coding-DNA position 683, C replaced by A.
Protein change: p.Ser228Ter; replaces serine 228 with a stop codon.
Molecular consequence: nonsense.
Genome position (GRCh38, 1-based): chr17:72,122,970, C>A. VCF-style: chr17-72122970-C-A. GRCh37 (hg19) VCF-style: chr17-70119111-C-A.
Other names: short protein forms S228*.
Identifiers: ClinVar variation 2040173 (VCV002040173.4), dbSNP rs2143247486, ClinGen allele CA400866816.

ClinVar aggregate classification (germline): Pathogenic (1 of 4 stars; one submission).

Conditions:
Camptomelic dysplasia (CMPD). Also called: Campomelic Dysplasia; CMPD1/SRA1. Identifiers: Orphanet 140, MedGen C1861922, MONDO:0007251, OMIM 114290.

Submission:

Labcorp Genetics (formerly Invitae), Labcorp
Classification: Pathogenic for Camptomelic dysplasia. Last evaluated: 2022-08-21. Review status: criteria provided, single submitter. Criteria: Invitae Variant Classification Sherloc (09022015). Collection method: clinical testing. Allele origin: germline.
Comment: For these reasons, this variant has been classified as Pathogenic. This variant disrupts a region of the SOX9 protein in which other variant(s) (p.Arg394*) have been determined to be pathogenic (PMID: 31389106; Invitae). This suggests that this is a clinically significant region of the protein, and that variants that disrupt it are likely to be disease-causing. This variant has not been reported in the literature in individuals affected with SOX9-related conditions. This variant is not present in population databases (gnomAD no frequency). This sequence change creates a premature translational stop signal (p.Ser228*) in the SOX9 gene. While this is not anticipated to result in nonsense mediated decay, it is expected to disrupt the last 282 amino acid(s) of the SOX9 protein.

Literature cited by the submitters: PubMed 31389106.